The following is an entry in ClinVar:

ClinVar aggregate classification (germline): Uncertain significance (1 of 4 stars; one submission).

Allele frequency attached by ClinVar (database versions not stated): ExAC 0.00001; gnomAD exomes 0.00001; TOPMed 0.00003; ESP Exome Variant Server 0.00008.
gnomAD v4.1: 11 of 1,613,860 alleles (0.00068%); highest among the groups gnomAD compares: Non-Finnish European, 0.00093%; no homozygotes.

Submission:

Women's Health and Genetics/Laboratory Corporation of America, LabCorp
Classification: Uncertain significance. Last evaluated: 2023-09-11. Review status: criteria provided, single submitter. Criteria: LabCorp Variant Classification Summary - May 2015. Collection method: clinical testing. Allele origin: germline.
Comment: Variant summary: ODC1 c.661A>G (p.Met221Val) results in a conservative amino acid change located in the Orn/DAP/Arg decarboxylase 2, C-terminal (IPR022643) of the encoded protein sequence. Four of five in-silico tools predict a benign effect of the variant on protein function. The variant allele was found at a frequency of 8e-06 in 251356 control chromosomes. The available data on variant occurrences in the general population are insufficient to allow any conclusion about variant significance. To our knowledge, no occurrence of c.661A>G in individuals affected with Neurodevelopmental Disorder With Alopecia And Brain Abnormalities and no experimental evidence demonstrating its impact on protein function have been reported. No submitters have cited clinical-significance assessments for this variant to ClinVar after 2014. Based on the evidence outlined above, the variant was classified as uncertain significance.

NM_002539.3(ODC1):c.661A>G (p.Met221Val)

Gene: ODC1 (ornithine decarboxylase 1; minus strand). Cytogenetic location: 2p25.1.
Variant type: single nucleotide variant.
Coding change: c.661A>G on transcript NM_002539.3 (MANE Select); coding-DNA position 661, A replaced by G.
Protein change: p.Met221Val; replaces methionine 221 with valine.
Molecular consequence: missense variant.
Genome position (GRCh38, 1-based): chr2:10,443,495, T>C on the plus strand (A>G on the coding strand, the complement: ODC1 is on the minus strand). VCF-style: chr2-10443495-T-C. GRCh37 (hg19) VCF-style: chr2-10583621-T-C.
Other names: c.274A>G, p.Met92Val (NM_001287188.2); c.661A>G, p.Met221Val (NM_001287189.2, NM_001287190.2); short protein forms M221V, M92V.
Identifiers: ClinVar variation 2627183 (VCV002627183.1), dbSNP rs373045430, ClinGen allele CA1526933.